The following is an entry in ClinVar:

ClinVar aggregate classification (germline): Uncertain significance (1 of 4 stars; one submission).

Conditions:
Familial hypobetalipoproteinemia 1. Also called: APOB-Related Familial Hypobetalipoproteinemia; Hypobetalipoproteinemia, normotriglyceridemic; Acanthocytosis with hypobetalipoproteinemia. Identifiers: MedGen C4551990, MONDO:0014252, OMIM 615558.
Hypercholesterolemia, autosomal dominant, type B (FHCL2). Also called: Familial Hypercholesterolemia Type B; APOLIPOPROTEIN B-100, FAMILIAL DEFECTIVE; APOLIPOPROTEIN B-100, FAMILIAL LIGAND-DEFECTIVE; HYPERCHOLESTEROLEMIA, FAMILIAL, DUE TO LIGAND-DEFECTIVE APOLIPOPROTEIN B; Hyperlipoproteinemia Type IIb; Familial hypercholesterolemia 2. Identifiers: MedGen C1704417, MONDO:0007751, OMIM 144010.

gnomAD v4.1: 2 of 1,614,178 alleles (0.00012%); highest among the groups gnomAD compares: Non-Finnish European, 0.00017%; no homozygotes.

Submission:

Labcorp Genetics (formerly Invitae), Labcorp
Classification: Uncertain significance for Familial hypobetalipoproteinemia 1; Hypercholesterolemia, autosomal dominant, type B. Last evaluated: 2024-04-06. Review status: criteria provided, single submitter. Criteria: Invitae Variant Classification Sherloc (09022015). Collection method: clinical testing. Allele origin: germline.
Comment: This sequence change replaces aspartic acid, which is acidic and polar, with asparagine, which is neutral and polar, at codon 1487 of the APOB protein (p.Asp1487Asn). This variant is not present in population databases (gnomAD no frequency). This variant has not been reported in the literature in individuals affected with APOB-related conditions. Advanced modeling of protein sequence and biophysical properties (such as structural, functional, and spatial information, amino acid conservation, physicochemical variation, residue mobility, and thermodynamic stability) performed at Invitae indicates that this missense variant is not expected to disrupt APOB protein function with a negative predictive value of 95%. In summary, the available evidence is currently insufficient to determine the role of this variant in disease. Therefore, it has been classified as a Variant of Uncertain Significance.

NM_000384.3(APOB):c.4459G>A (p.Asp1487Asn)

Gene: APOB (apolipoprotein B; minus strand). Cytogenetic location: 2p24.1.
Variant type: single nucleotide variant.
Coding change: c.4459G>A on transcript NM_000384.3 (MANE Select); coding-DNA position 4459, G replaced by A.
Protein change: p.Asp1487Asn; replaces aspartic acid 1487 with asparagine.
Molecular consequence: missense variant.
Genome position (GRCh38, 1-based): chr2:21,012,409, C>T on the plus strand (G>A on the coding strand, the complement: APOB is on the minus strand). VCF-style: chr2-21012409-C-T. GRCh37 (hg19) VCF-style: chr2-21235281-C-T.
Other names: short protein forms D1487N.
Identifiers: ClinVar variation 3750432 (VCV003750432.2).